The following is an entry in ClinVar:

ClinVar aggregate classification (germline): Uncertain significance (1 of 4 stars; one submission).

Conditions:
Familial focal epilepsy with variable foci (FPEVF). Identifiers: Orphanet 98820, MedGen C1858477, MONDO:0020310.

Allele frequency attached by ClinVar (database versions not stated): gnomAD 0.00001; TOPMed 0.00002.
gnomAD v4.1: 20 of 1,613,918 alleles (0.0012%); highest among the groups gnomAD compares: Non-Finnish European, 0.0016%; no homozygotes.

Submission:

Labcorp Genetics (formerly Invitae), Labcorp
Classification: Uncertain significance for Familial focal epilepsy with variable foci. Last evaluated: 2024-12-19. Review status: criteria provided, single submitter. Criteria: Invitae Variant Classification Sherloc (09022015). Collection method: clinical testing. Allele origin: germline.
Comment: This sequence change replaces arginine, which is basic and polar, with histidine, which is basic and polar, at codon 1436 of the DEPDC5 protein (p.Arg1436His). This variant is not present in population databases (gnomAD no frequency). This variant has not been reported in the literature in individuals affected with DEPDC5-related conditions. ClinVar contains an entry for this variant (Variation ID: 565527). Experimental studies and prediction algorithms are not available or were not evaluated, and the functional significance of this variant is currently unknown. In summary, the available evidence is currently insufficient to determine the role of this variant in disease. Therefore, it has been classified as a Variant of Uncertain Significance.

NM_001242896.3(DEPDC5):c.4307G>A (p.Arg1436His)

Gene: DEPDC5 (DEP domain containing 5, GATOR1 subcomplex subunit; plus strand). Cytogenetic location: 22q12.3.
Variant type: single nucleotide variant.
Coding change: c.4307G>A on transcript NM_001242896.3 (MANE Select); coding-DNA position 4307, G replaced by A.
Protein change: p.Arg1436His; replaces arginine 1436 with histidine.
Molecular consequence: missense variant. On other transcripts: non-coding transcript variant (5).
Genome position (GRCh38, 1-based): chr22:31,897,585, G>A. VCF-style: chr22-31897585-G-A. GRCh37 (hg19) VCF-style: chr22-32293571-G-A.
Other names: c.4280G>A, p.Arg1427His (NM_001136029.4); c.4007G>A, p.Arg1336His (NM_001242897.2); c.4241G>A, p.Arg1414His (NM_001363852.2, NM_001364320.2); c.4073G>A, p.Arg1358His (NM_001363854.2, NM_001364319.2); c.4307G>A, p.Arg1436His (NM_001364318.2); c.4223G>A, p.Arg1408His (NM_001369901.1, NM_001369902.1); c.4214G>A, p.Arg1405His (NM_001369903.1, NM_014662.6); short protein forms R1336H, R1436H, R1358H, R1408H, R1414H, R1427H, R1405H.
Identifiers: ClinVar variation 565527 (VCV000565527.10), dbSNP rs948206788, ClinGen allele CA323351878.